The following is an entry in ClinVar:

NM_000257.4(MYH7):c.893T>A (p.Leu298Gln)

Gene: MYH7 (myosin heavy chain 7; minus strand). Cytogenetic location: 14q11.2.
Variant type: single nucleotide variant.
Coding change: c.893T>A on transcript NM_000257.4 (MANE Select); coding-DNA position 893, T replaced by A.
Protein change: p.Leu298Gln; replaces leucine 298 with glutamine.
Molecular consequence: missense variant.
Genome position (GRCh38, 1-based): chr14:23,430,903, A>T on the plus strand (T>A on the coding strand, the complement: MYH7 is on the minus strand). VCF-style: chr14-23430903-A-T. GRCh37 (hg19) VCF-style: chr14-23900112-A-T.
Other names: c.893T>A, p.Leu298Gln (NM_001407004.1); short protein forms L298Q.
Identifiers: ClinVar variation 4820423 (VCV004820423.1).

ClinVar aggregate classification (germline): Uncertain significance (1 of 4 stars; one submission).

Conditions:
Cardiovascular phenotype. Identifiers: MedGen CN230736.

gnomAD v4.1: 1 of 1,611,614 alleles (0.000062%); highest among the groups gnomAD compares: African/African-American, 0.0013%; no homozygotes.

Submission:

Molecular Diagnostic Laboratory for Inherited Cardiovascular Disease, Montreal Heart Institute
Classification: Uncertain significance for Cardiovascular phenotype. Last evaluated: 2026-03-27. Review status: criteria provided, single submitter. Criteria: ACMG Guidelines, 2015. Collection method: clinical testing. Allele origin: germline. Affected: yes.
Comment: PM1, PM2